The following is an entry in ClinVar:

ClinVar aggregate classification (germline): Uncertain significance (1 of 4 stars; one submission).

gnomAD v4.1: 2 of 1,614,026 alleles (0.00012%); highest among the groups gnomAD compares: East Asian, 0.0022%; no homozygotes.

Submission:

Labcorp Genetics (formerly Invitae), Labcorp
Classification: Uncertain significance. Last evaluated: 2022-05-22. Review status: criteria provided, single submitter. Criteria: Invitae Variant Classification Sherloc (09022015). Collection method: clinical testing. Allele origin: germline.
Comment: This sequence change replaces proline, which is neutral and non-polar, with serine, which is neutral and polar, at codon 803 of the COL9A1 protein (p.Pro803Ser). This variant is not present in population databases (gnomAD no frequency). This variant has not been reported in the literature in individuals affected with COL9A1-related conditions. Advanced modeling of protein sequence and biophysical properties (such as structural, functional, and spatial information, amino acid conservation, physicochemical variation, residue mobility, and thermodynamic stability) performed at Invitae indicates that this missense variant is not expected to disrupt COL9A1 protein function. In summary, the available evidence is currently insufficient to determine the role of this variant in disease. Therefore, it has been classified as a Variant of Uncertain Significance.

NM_001851.6(COL9A1):c.2407C>T (p.Pro803Ser)

Gene: COL9A1 (collagen type IX alpha 1 chain; minus strand). Cytogenetic location: 6q13.
Variant type: single nucleotide variant.
Coding change: c.2407C>T on transcript NM_001851.6 (MANE Select); coding-DNA position 2407, C replaced by T.
Protein change: p.Pro803Ser; replaces proline 803 with serine.
Molecular consequence: missense variant. On other transcripts: non-coding transcript variant (1).
Genome position (GRCh38, 1-based): chr6:70,232,679, G>A on the plus strand (C>T on the coding strand, the complement: COL9A1 is on the minus strand). VCF-style: chr6-70232679-G-A. GRCh37 (hg19) VCF-style: chr6-70942382-G-A.
Other names: c.1708C>T, p.Pro570Ser (NM_001377289.1); c.1531C>T, p.Pro511Ser (NM_001377290.1); c.1678C>T, p.Pro560Ser (NM_078485.4); short protein forms P511S, P570S, P560S, P803S.
Identifiers: ClinVar variation 2113906 (VCV002113906.1), dbSNP rs749074294, ClinGen allele CA140845992.